The following is an entry in ClinVar:

NM_002878.4(RAD51D):c.551A>T (p.Glu184Val)

Genes: RAD51D (RAD51 paralog D; minus strand), RAD51L3-RFFL (RAD51L3-RFFL readthrough; minus strand). Cytogenetic location: 17q12.
Variant type: single nucleotide variant.
Coding change: c.551A>T on transcript NM_002878.4 (MANE Select); coding-DNA position 551, A replaced by T.
Protein change: p.Glu184Val; replaces glutamic acid 184 with valine.
Molecular consequence: missense variant. On other transcripts: non-coding transcript variant (3).
Genome position (GRCh38, 1-based): chr17:35,106,411, T>A on the plus strand (A>T on the coding strand, the complement: RAD51D is on the minus strand). VCF-style: chr17-35106411-T-A. GRCh37 (hg19) VCF-style: chr17-33433430-T-A.
Other names: c.611A>T, p.Glu204Val (NM_001142571.2); c.215A>T, p.Glu72Val (NM_133629.3); short protein forms E184V, E72V, E204V.
Identifiers: ClinVar variation 410564 (VCV000410564.16), dbSNP rs1060502960, ClinGen allele CA16615724.
Genomic context (GRCh38, chr17:35,106,411, plus strand): 5'-GAATTAAGCAAGGAGGGGCAGAACAGCAGGCTCACCTGCTGGGCCACAGTGCCTCGGAGC[T>A]CCTGCAGCACATCCAGCATCTGGAAGATGTCAAATGCATGCACCACCTGGATCCTCCGGA-3'
Protein context (NP_002869.3, residues 174-194): DIFQMLDVLQ[Glu184Val]LRGTVAQQVT

ClinVar aggregate classification (germline): Uncertain significance. Review status: criteria provided, multiple submitters, no conflicts (2 of 4 stars). 5 submissions from 5 submitters: Uncertain significance (5). Last evaluated 2026-04-21.

Conditions:
Breast-ovarian cancer, familial, susceptibility to, 4. Identifiers: Orphanet 145, MedGen C3280345, MONDO:0013669, OMIM 614291.
Low grade glioma. Identifiers: MedGen C1997217, MONDO:0021637.
Hereditary cancer-predisposing syndrome. Also called: Hereditary neoplastic syndrome; Tumor predisposition; Hereditary Cancer Syndrome; Neoplastic Syndromes, Hereditary. Identifiers: Orphanet 140162, MedGen C0027672, MeSH D009386, MONDO:0015356.

Submissions (5):

Dasa
Classification: Uncertain significance. Last evaluated: 2026-04-21. Review status: criteria provided, single submitter. Criteria: DASA Assertion Criteria. Collection method: clinical testing. Allele origin: germline.
Comment: NM_002878.4(RAD51D):c.551A>T (p.Glu184Val) is a missense variant that results in the substitution of glutamic acid with valine. This variant is absent from population databases. Computational prediction algorithms are consistent with a benign effect. The currently available literature and clinical evidence are not sufficient to establish a definitive association between this variant and the reported condition. Therefore, this variant is classified as a variant of uncertain significance.

Color Diagnostics, LLC DBA Color Health
Classification: Uncertain significance for Hereditary cancer-predisposing syndrome. Last evaluated: 2025-08-30. Review status: criteria provided, single submitter. Criteria: ACMG Guidelines, 2015. Collection method: clinical testing. Allele origin: germline.
Comment: This missense variant replaces glutamic acid with valine at codon 184 of the RAD51D protein. Computational prediction suggests that this variant may not impact protein structure and function. To our knowledge, functional studies have not been reported for this variant. This variant has not been reported in individuals affected with RAD51D-related disorders in the literature. This variant has not been identified in the general population by the Genome Aggregation Database (gnomAD). The available evidence is insufficient to determine the role of this variant in disease conclusively. Therefore, this variant is classified as a Variant of Uncertain Significance.

Labcorp Genetics (formerly Invitae), Labcorp
Classification: Uncertain significance for Breast-ovarian cancer, familial, susceptibility to, 4. Last evaluated: 2025-06-27. Review status: criteria provided, single submitter. Criteria: Invitae Variant Classification Sherloc (09022015). Collection method: clinical testing. Allele origin: germline.
Comment: This sequence change replaces glutamic acid, which is acidic and polar, with valine, which is neutral and non-polar, at codon 184 of the RAD51D protein (p.Glu184Val). This variant is not present in population databases (gnomAD no frequency). This variant has not been reported in the literature in individuals affected with RAD51D-related conditions. ClinVar contains an entry for this variant (Variation ID: 410564). Invitae Evidence Modeling of protein sequence and biophysical properties (such as structural, functional, and spatial information, amino acid conservation, physicochemical variation, residue mobility, and thermodynamic stability) indicates that this missense variant is not expected to disrupt RAD51D protein function with a negative predictive value of 80%. In summary, the available evidence is currently insufficient to determine the role of this variant in disease. Therefore, it has been classified as a Variant of Uncertain Significance.

Ambry Genetics
Classification: Uncertain significance for Hereditary cancer-predisposing syndrome. Last evaluated: 2025-01-08. Review status: criteria provided, single submitter. Criteria: Ambry Variant Classification Scheme 2023. Collection method: clinical testing. Allele origin: germline.
Comment: The p.E184V variant (also known as c.551A>T), located in coding exon 6 of the RAD51D gene, results from an A to T substitution at nucleotide position 551. The glutamic acid at codon 184 is replaced by valine, an amino acid with dissimilar properties. This amino acid position is highly conserved through mammals but not in all available vertebrate species. In addition, the in silico prediction for this alteration is inconclusive. Since supporting evidence is limited at this time, the clinical significance of this alteration remains unclear.

Laboratory of Medical Genetics Unit, Bambino Gesù Children's Hospital
Classification: Uncertain significance for Low grade glioma. Review status: criteria provided, single submitter. Criteria: ACMG Guidelines, 2015. Collection method: research. Allele origin: germline. Affected: yes.
Comment: The variant NM_002878.3 (RAD51D): c.551A>T (p.Glu184Val) is not reported in GnomAD and in literature. It is annotated on Clinvar as VUS in Hereditary Cancer-predisposing Syndrome [RCV001024213]. It is classified as VUS following the ACMG criteria (PM2 and BP4).